The following is an entry in ClinVar:

NM_022168.4(IFIH1):c.2858A>G (p.Asp953Gly)

Gene: IFIH1 (interferon induced with helicase C domain 1; minus strand). Cytogenetic location: 2q24.2.
Variant type: single nucleotide variant.
Coding change: c.2858A>G on transcript NM_022168.4 (MANE Select); coding-DNA position 2858, A replaced by G.
Protein change: p.Asp953Gly; replaces aspartic acid 953 with glycine.
Molecular consequence: missense variant.
Genome position (GRCh38, 1-based): chr2:162,267,519, T>C on the plus strand (A>G on the coding strand, the complement: IFIH1 is on the minus strand). VCF-style: chr2-162267519-T-C. GRCh37 (hg19) VCF-style: chr2-163124029-T-C.
Other names: c.2858A>G (NM_022168.2); short protein forms D953G.
Identifiers: ClinVar variation 1010975 (VCV001010975.11), dbSNP rs148623633, ClinGen allele CA1934053.

ClinVar aggregate classification (germline): Uncertain significance. Review status: criteria provided, multiple submitters, no conflicts (2 of 4 stars). 4 submissions from 4 submitters: Uncertain significance (3). 1 of the submissions does not count toward it. Last evaluated 2025-12-13.

Conditions:
IFIH1-related disorder. Also called: IFIH1-related condition.
Inborn genetic diseases. Identifiers: MedGen C0950123, MeSH D030342.
Singleton-Merten syndrome 1 (SGMRT1). Also called: Widened medullary cavities of bone, aortic calcification, abnormal dentition, and muscular weakness; Syndrome of widened medullary cavities of the metacarpals and phalanges, aortic calcification and abnormal dentition. Identifiers: Orphanet 85191, MedGen C4225427, MONDO:0024535, OMIM 182250.
Aicardi-Goutieres syndrome 7 (AGS7). Identifiers: Orphanet 51, MedGen C3888244, MONDO:0014367, OMIM 615846.

Allele frequency attached by ClinVar (database versions not stated): gnomAD exomes 0.00002 and 0.00004; TOPMed 0.00003; gnomAD 0.00004; ExAC 0.00001; ESP Exome Variant Server 0.00015.
gnomAD v4.1: 57 of 1,613,874 alleles (0.0035%); highest among the groups gnomAD compares: Non-Finnish European, 0.0047%; no homozygotes.

Submissions (4):

Labcorp Genetics (formerly Invitae), Labcorp
Classification: Uncertain significance for Aicardi-Goutieres syndrome 7; Singleton-Merten syndrome 1. Last evaluated: 2025-12-13. Review status: criteria provided, single submitter. Criteria: Invitae Variant Classification Sherloc (09022015). Collection method: clinical testing. Allele origin: germline.
Comment: This sequence change replaces aspartic acid, which is acidic and polar, with glycine, which is neutral and non-polar, at codon 953 of the IFIH1 protein (p.Asp953Gly). This variant is present in population databases (rs148623633, gnomAD 0.004%). This variant has not been reported in the literature in individuals affected with IFIH1-related conditions. ClinVar contains an entry for this variant (Variation ID: 1010975). Invitae Evidence Modeling incorporating data from in vitro experimental studies (internal data) indicates that this missense variant is not expected to disrupt IFIH1 function with a negative predictive value of 95%. In summary, the available evidence is currently insufficient to determine the role of this variant in disease. Therefore, it has been classified as a Variant of Uncertain Significance.

GeneDx
Classification: Uncertain significance. Last evaluated: 2024-06-12. Review status: criteria provided, single submitter. Criteria: GeneDx Variant Classification Process June 2021. Collection method: clinical testing. Allele origin: germline. Affected: yes.
Comment: In silico analysis, which includes protein predictors and evolutionary conservation, supports a deleterious effect; Has not been previously published as pathogenic or benign to our knowledge

Ambry Genetics
Classification: Uncertain significance for Inborn genetic diseases. Last evaluated: 2024-03-18. Review status: criteria provided, single submitter. Criteria: Ambry Variant Classification Scheme 2023. Collection method: clinical testing. Allele origin: germline.

PreventionGenetics, part of Exact Sciences
Classification: Uncertain significance for IFIH1-related condition. Last evaluated: 2024-08-29. Review status: no assertion criteria provided. Collection method: clinical testing. Allele origin: germline. Not counted in ClinVar's aggregate classification.
Comment: The IFIH1 c.2858A>G variant is predicted to result in the amino acid substitution p.Asp953Gly. To our knowledge, this variant has not been reported in the literature. This variant is reported in 0.0040% of alleles in individuals of African descent in gnomAD. At this time, the clinical significance of this variant is uncertain due to the absence of conclusive functional and genetic evidence.